The following is an entry in ClinVar:

ClinVar aggregate classification (germline): Conflicting classifications of pathogenicity. Review status: criteria provided, conflicting classifications (1 of 4 stars). 2 submissions from 2 submitters: Uncertain significance (1); Benign (1). Last evaluated 2025-09-25.

Conditions:
Hereditary cancer-predisposing syndrome. Also called: Hereditary neoplastic syndrome; Neoplastic Syndromes, Hereditary; Tumor predisposition; Hereditary Cancer Syndrome. Identifiers: Orphanet 140162, MedGen C0027672, MeSH D009386, MONDO:0015356.

Allele frequency attached by ClinVar (database versions not stated): gnomAD exomes below 0.00001.
gnomAD v4.1: 1 of 1,611,498 alleles (0.000062%); highest among the groups gnomAD compares: Non-Finnish European, 0.000085%; no homozygotes.

Submissions (2):

Ambry Genetics
Classification: Benign for Hereditary cancer-predisposing syndrome. Last evaluated: 2025-09-25. Review status: criteria provided, single submitter. Criteria: Ambry Variant Classification Scheme 2023. Collection method: clinical testing. Allele origin: germline.

GeneDx
Classification: Uncertain significance. Last evaluated: 2021-04-07. Review status: criteria provided, single submitter. Criteria: GeneDx Variant Classification Process June 2021. Collection method: clinical testing. Allele origin: germline. Affected: yes.
Comment: Not observed in large population cohorts (Lek 2016); In silico analysis supports that this missense variant does not alter protein structure/function; Has not been previously published as pathogenic or benign to our knowledge

NM_058216.3(RAD51C):c.472A>G (p.Ile158Val)

Gene: RAD51C (RAD51 paralog C; plus strand). Cytogenetic location: 17q22.
Variant type: single nucleotide variant.
Coding change: c.472A>G on transcript NM_058216.3 (MANE Select); coding-DNA position 472, A replaced by G.
Protein change: p.Ile158Val; replaces isoleucine 158 with valine.
Molecular consequence: missense variant.
Genome position (GRCh38, 1-based): chr17:58,696,760, A>G. VCF-style: chr17-58696760-A-G. GRCh37 (hg19) VCF-style: chr17-56774121-A-G.
Other names: short protein forms I158V.
Identifiers: ClinVar variation 1314663 (VCV001314663.5), dbSNP rs771888635, ClinGen allele CA400344658.